The following is an entry in ClinVar:

NM_001297.5(CNGB1):c.1801+1G>A

Gene: CNGB1 (cyclic nucleotide gated channel subunit beta 1; minus strand). Cytogenetic location: 16q21.
Variant type: single nucleotide variant.
Coding change: c.1801+1G>A on transcript NM_001297.5 (MANE Select); the canonical splice donor site of the intron after coding-DNA position 1801, G replaced by A.
Molecular consequence: splice donor variant.
Genome position (GRCh38, 1-based): chr16:57,920,386, C>T on the plus strand (G>A on the coding strand, the complement: CNGB1 is on the minus strand). VCF-style: chr16-57920386-C-T. GRCh37 (hg19) VCF-style: chr16-57954290-C-T.
Other names: c.1783+1G>A (NM_001286130.2).
Identifiers: ClinVar variation 4767458 (VCV004767458.1).

ClinVar aggregate classification (germline): Likely pathogenic (1 of 4 stars; one submission).

Submission:

Labcorp Genetics (formerly Invitae), Labcorp
Classification: Likely pathogenic. Last evaluated: 2025-08-04. Review status: criteria provided, single submitter. Criteria: Invitae Variant Classification Sherloc (09022015). Collection method: clinical testing. Allele origin: germline.
Comment: This sequence change affects a donor splice site in intron 19 of the CNGB1 gene. It is expected to disrupt RNA splicing. Variants that disrupt the donor or acceptor splice site typically lead to a loss of protein function (PMID: 16199547), and loss-of-function variants in CNGB1 are known to be pathogenic (PMID: 15557452, 24043777). This variant is not present in population databases (gnomAD no frequency). This variant has not been reported in the literature in individuals affected with CNGB1-related conditions. Algorithms developed to predict the effect of sequence changes on RNA splicing suggest that this variant may disrupt the consensus splice site. In summary, the currently available evidence indicates that the variant is pathogenic, but additional data are needed to prove that conclusively. Therefore, this variant has been classified as Likely Pathogenic.

Literature cited by the submitters: PubMed 16199547; PubMed 15557452; PubMed 24043777.